The following is an entry in ClinVar:

NM_001142800.2(EYS):c.1252A>C (p.Asn418His)

Gene: EYS (EGF-like photoreceptor maintenance factor; minus strand). Cytogenetic location: 6q12.
Variant type: single nucleotide variant.
Coding change: c.1252A>C on transcript NM_001142800.2 (MANE Select); coding-DNA position 1252, A replaced by C.
Protein change: p.Asn418His; replaces asparagine 418 with histidine.
Molecular consequence: missense variant.
Genome position (GRCh38, 1-based): chr6:65,384,433, T>G on the plus strand (A>C on the coding strand, the complement: EYS is on the minus strand). VCF-style: chr6-65384433-T-G. GRCh37 (hg19) VCF-style: chr6-66094326-T-G.
Other names: c.1252A>C, p.Asn418His (NM_001142801.2, NM_001292009.2, NM_198283.2); c.1252A>C (NM_001142800.1); short protein forms N418H.
Identifiers: ClinVar variation 1010209 (VCV001010209.9), dbSNP rs369388425, ClinGen allele CA3877809.

ClinVar aggregate classification (germline): Uncertain significance. Review status: criteria provided, single submitter (1 of 4 stars). 2 submissions from 2 submitters: Uncertain significance (1). 1 of the submissions does not count toward it. Last evaluated 2022-08-29.

Conditions:
Retinitis pigmentosa 25 (RP25). Identifiers: Orphanet 791, MedGen C1864446, MONDO:0011272, OMIM 602772.

Allele frequency attached by ClinVar (database versions not stated): gnomAD exomes below 0.00001; gnomAD 0.00001; TOPMed 0.00001; ExAC 0.00002; ESP Exome Variant Server 0.00008.
gnomAD v4.1: 2 of 1,609,722 alleles (0.00012%); highest among the groups gnomAD compares: Non-Finnish European, 0.00017%; no homozygotes.

Submissions (2):

Labcorp Genetics (formerly Invitae), Labcorp
Classification: Uncertain significance. Last evaluated: 2022-08-29. Review status: criteria provided, single submitter. Criteria: Invitae Variant Classification Sherloc (09022015). Collection method: clinical testing. Allele origin: germline.
Comment: In summary, the available evidence is currently insufficient to determine the role of this variant in disease. Therefore, it has been classified as a Variant of Uncertain Significance. Algorithms developed to predict the effect of missense changes on protein structure and function are either unavailable or do not agree on the potential impact of this missense change (SIFT: "Deleterious"; PolyPhen-2: "Benign"; Align-GVGD: "Class C0"). ClinVar contains an entry for this variant (Variation ID: 1010209). This variant has not been reported in the literature in individuals affected with EYS-related conditions. This variant is present in population databases (rs369388425, gnomAD 0.002%). This sequence change replaces asparagine, which is neutral and polar, with histidine, which is basic and polar, at codon 418 of the EYS protein (p.Asn418His).

Natera, Inc.
Classification: Uncertain significance for Retinitis pigmentosa type 25. Last evaluated: 2025-04-08. Review status: no assertion criteria provided. Collection method: clinical testing. Allele origin: germline. Not counted in ClinVar's aggregate classification.